The following is an entry in ClinVar:

NM_012414.4(RAB3GAP2):c.3818A>G (p.His1273Arg)

Gene: RAB3GAP2 (RAB3 GTPase activating non-catalytic protein subunit 2; minus strand). Cytogenetic location: 1q41.
Variant type: single nucleotide variant.
Coding change: c.3818A>G on transcript NM_012414.4 (MANE Select); coding-DNA position 3818, A replaced by G.
Protein change: p.His1273Arg; replaces histidine 1273 with arginine.
Molecular consequence: missense variant.
Genome position (GRCh38, 1-based): chr1:220,153,234, T>C on the plus strand (A>G on the coding strand, the complement: RAB3GAP2 is on the minus strand). VCF-style: chr1-220153234-T-C. GRCh37 (hg19) VCF-style: chr1-220326576-T-C.
Other names: short protein forms H1273R.
Identifiers: ClinVar variation 436470 (VCV000436470.10), dbSNP rs370057302, ClinGen allele CA1402039.

ClinVar aggregate classification (germline): Uncertain significance. Review status: criteria provided, multiple submitters, no conflicts (2 of 4 stars). 3 submissions from 3 submitters: Uncertain significance (3). Last evaluated 2025-02-02.

Conditions:
Inborn genetic diseases. Identifiers: MedGen C0950123, MeSH D030342.
Martsolf syndrome (MARTS). Also called: Congenital cataract with intellectual disability and hypogonadotropic hypogonadism syndrome. Identifiers: Orphanet 1387, MedGen C0796037, MONDO:0023910.
Warburg micro syndrome 2 (WARBM2). Also called: MICRO SYNDROME 2. Identifiers: Orphanet 2510, MedGen C3280214, MONDO:0013641, OMIM 614225.

Allele frequency attached by ClinVar (database versions not stated): gnomAD 0.00001; gnomAD exomes 0.00001; TOPMed 0.00001; ExAC 0.00002; ESP Exome Variant Server 0.00008.
gnomAD v4.1: 24 of 1,614,030 alleles (0.0015%); highest among the groups gnomAD compares: Non-Finnish European, 0.0019%; no homozygotes.

Submissions (3):

Ambry Genetics
Classification: Uncertain significance for Inborn genetic diseases. Last evaluated: 2025-02-02. Review status: criteria provided, single submitter. Criteria: Ambry Variant Classification Scheme 2023. Collection method: clinical testing. Allele origin: germline.

Labcorp Genetics (formerly Invitae), Labcorp
Classification: Uncertain significance for Martsolf syndrome; Warburg micro syndrome 2. Last evaluated: 2022-06-15. Review status: criteria provided, single submitter. Criteria: Invitae Variant Classification Sherloc (09022015). Collection method: clinical testing. Allele origin: germline.
Comment: In summary, the available evidence is currently insufficient to determine the role of this variant in disease. Therefore, it has been classified as a Variant of Uncertain Significance. Algorithms developed to predict the effect of missense changes on protein structure and function are either unavailable or do not agree on the potential impact of this missense change (SIFT: "Tolerated"; PolyPhen-2: "Possibly Damaging"; Align-GVGD: "Class C0"). This sequence change replaces histidine, which is basic and polar, with arginine, which is basic and polar, at codon 1273 of the RAB3GAP2 protein (p.His1273Arg). ClinVar contains an entry for this variant (Variation ID: 436470). This variant has not been reported in the literature in individuals affected with RAB3GAP2-related conditions. This variant is present in population databases (rs370057302, gnomAD 0.004%).

Genetic Services Laboratory, University of Chicago
Classification: Uncertain significance. Last evaluated: 2016-09-20. Review status: criteria provided, single submitter. Criteria: ACMG Guidelines, 2015. Collection method: clinical testing. Allele origin: germline. Affected: no.